The following is an entry in ClinVar:

NM_018127.7(ELAC2):c.268G>A (p.Gly90Ser)

Gene: ELAC2 (elaC ribonuclease Z 2; minus strand). Cytogenetic location: 17p12.
Variant type: single nucleotide variant.
Coding change: c.268G>A on transcript NM_018127.7 (MANE Select); coding-DNA position 268, G replaced by A.
Protein change: p.Gly90Ser; replaces glycine 90 with serine.
Molecular consequence: missense variant.
Genome position (GRCh38, 1-based): chr17:13,017,099, C>T on the plus strand (G>A on the coding strand, the complement: ELAC2 is on the minus strand). VCF-style: chr17-13017099-C-T. GRCh37 (hg19) VCF-style: chr17-12920416-C-T.
Other names: c.268G>A, p.Gly90Ser (NM_001165962.2, NM_173717.2); short protein forms G90S.
Identifiers: ClinVar variation 1719056 (VCV001719056.5), dbSNP rs2508391615, ClinGen allele CA398218632.

ClinVar aggregate classification (germline): Uncertain significance (1 of 4 stars; one submission).

Conditions:
Combined oxidative phosphorylation defect type 17. Also called: Combined oxidative phosphorylation deficiency 17. Identifiers: Orphanet 369913, MedGen C3809526, MONDO:0014190, OMIM 615440.

Submission:

Labcorp Genetics (formerly Invitae), Labcorp
Classification: Uncertain significance for Combined oxidative phosphorylation defect type 17. Last evaluated: 2022-09-07. Review status: criteria provided, single submitter. Criteria: Invitae Variant Classification Sherloc (09022015). Collection method: clinical testing. Allele origin: germline.
Comment: In summary, the available evidence is currently insufficient to determine the role of this variant in disease. Therefore, it has been classified as a Variant of Uncertain Significance. Algorithms developed to predict the effect of missense changes on protein structure and function are either unavailable or do not agree on the potential impact of this missense change (SIFT: "Tolerated"; PolyPhen-2: "Probably Damaging"; Align-GVGD: "Class C0"). This variant has not been reported in the literature in individuals affected with ELAC2-related conditions. This variant is not present in population databases (gnomAD no frequency). This sequence change replaces glycine, which is neutral and non-polar, with serine, which is neutral and polar, at codon 90 of the ELAC2 protein (p.Gly90Ser).